The following is an entry in ClinVar:

NM_007327.4(GRIN1):c.2179C>T (p.His727Tyr)

Gene: GRIN1 (glutamate ionotropic receptor NMDA type subunit 1; plus strand). Cytogenetic location: 9q34.3.
Variant type: single nucleotide variant.
Coding change: c.2179C>T on transcript NM_007327.4 (MANE Select); coding-DNA position 2179, C replaced by T.
Protein change: p.His727Tyr; replaces histidine 727 with tyrosine.
Molecular consequence: missense variant.
Genome position (GRCh38, 1-based): chr9:137,163,176, C>T. VCF-style: chr9-137163176-C-T. GRCh37 (hg19) VCF-style: chr9-140057628-C-T.
Other names: c.2179C>T, p.His727Tyr (NM_000832.7, NM_021569.4); c.2242C>T, p.His748Tyr (NM_001185090.2, NM_001185091.2, NM_001437330.1 and 1 more transcripts); short protein forms H727Y, H748Y.
Identifiers: ClinVar variation 5018074 (VCV005018074.1).

ClinVar aggregate classification (germline): Uncertain significance (1 of 4 stars; one submission).

gnomAD v4.1: 1 of 1,613,252 alleles (0.000062%); highest among the groups gnomAD compares: Non-Finnish European, 0.000085%; no homozygotes.

Submission:

GeneDx
Classification: Uncertain significance. Last evaluated: 2026-03-31. Review status: criteria provided, single submitter. Criteria: GeneDx Variant Classification Process June 2021. Collection method: clinical testing. Allele origin: germline.
Comment: Not observed at significant frequency in large population cohorts (gnomAD); In silico analysis supports that this missense variant has a deleterious effect on protein structure/function; In silico analysis suggests this variant may impact gene splicing. In the absence of RNA/functional studies, the actual effect of this sequence change is unknown.; Has not been previously published as pathogenic or benign to our knowledge